The following is an entry in ClinVar:

ClinVar aggregate classification (germline): Likely pathogenic (1 of 4 stars; one submission).

Conditions:
Hereditary spastic paraplegia 15 (SPG15). Also called: SPASTIC PARAPLEGIA 15, AUTOSOMAL RECESSIVE; KJELLIN SYNDROME; SPASTIC PARAPLEGIA AND RETINAL DEGENERATION. Identifiers: Orphanet 100996, MedGen C1849128, MONDO:0010044, OMIM 270700.

Submission:

Myriad Genetics, Inc.
Classification: Likely pathogenic for Hereditary spastic paraplegia 15. Last evaluated: 2021-12-27. Review status: criteria provided, single submitter. Criteria: Myriad Women's Health Autosomal Recessive and X-Linked Classification Criteria (2021). Collection method: clinical testing. Allele origin: unknown.
Comment: NM_015346.3(ZFYVE26):c.253A>T(K85*) is expected to be pathogenic in the context of spastic paraplegia type 15. This variant is predicted to lead to an abnormal or absent protein product due to the creation of a premature termination codon in ZFYVE26, a gene where loss-of-function variants are known to be pathogenic. Please note: this variant was assessed in the context of healthy population screening.

NM_015346.4(ZFYVE26):c.253A>T (p.Lys85Ter)

Gene: ZFYVE26 (zinc finger FYVE-type containing 26; minus strand). Cytogenetic location: 14q24.1.
Variant type: single nucleotide variant.
Coding change: c.253A>T on transcript NM_015346.4 (MANE Select); coding-DNA position 253, A replaced by T.
Protein change: p.Lys85Ter; replaces lysine 85 with a stop codon.
Molecular consequence: nonsense.
Genome position (GRCh38, 1-based): chr14:67,814,006, T>A on the plus strand (A>T on the coding strand, the complement: ZFYVE26 is on the minus strand). VCF-style: chr14-67814006-T-A. GRCh37 (hg19) VCF-style: chr14-68280723-T-A.
Other names: short protein forms K85*.
Identifiers: ClinVar variation 1726591 (VCV001726591.2), dbSNP rs2502893658, ClinGen allele CA390163103.
Genomic context (GRCh38, chr14:67,814,006, plus strand): 5'-GTCCTGGCCTCGGAGGAAAATTTAATATAAACCTACTTACCTTTTCCCGGGCCAACCATT[T>A]CTCCAGTACAAGAAGCCAGACCCAGGCTACTCTTTGAGGGTTGATGTCCTGCCCACATCT-3'